The following is an entry in ClinVar:

ClinVar aggregate classification (germline): Uncertain significance (1 of 4 stars; one submission).

Submission:

GeneDx
Classification: Uncertain significance. Last evaluated: 2023-03-12. Review status: criteria provided, single submitter. Criteria: GeneDx Variant Classification Process June 2021. Collection method: clinical testing. Allele origin: germline. Affected: yes.
Comment: Not observed at significant frequency in large population cohorts (gnomAD); In silico analysis supports that this missense variant does not alter protein structure/function; Has not been previously published as pathogenic or benign to our knowledge

NM_033305.3(VPS13A):c.6254A>G (p.Lys2085Arg)

Gene: VPS13A (vacuolar protein sorting 13 homolog A; plus strand). Cytogenetic location: 9q21.2.
Variant type: single nucleotide variant.
Coding change: c.6254A>G on transcript NM_033305.3 (MANE Select); coding-DNA position 6254, A replaced by G.
Protein change: p.Lys2085Arg; replaces lysine 2085 with arginine.
Molecular consequence: missense variant.
Genome position (GRCh38, 1-based): chr9:77,337,413, A>G. VCF-style: chr9-77337413-A-G. GRCh37 (hg19) VCF-style: chr9-79952329-A-G.
Other names: c.6137A>G, p.Lys2046Arg (NM_001018037.2); c.6254A>G, p.Lys2085Arg (NM_001018038.3, NM_015186.4); short protein forms K2046R, K2085R.
Identifiers: ClinVar variation 2579792 (VCV002579792.1), dbSNP rs2538065627, ClinGen allele CA373848441.